The following is an entry in ClinVar:

ClinVar aggregate classification (germline): Pathogenic (1 of 4 stars; one submission).

Conditions:
Alport syndrome 3b, autosomal recessive. Identifiers: MedGen C5882699, MONDO:0957811, OMIM 620536.

Submission:

Centre de Génétique Humaine, Institut de Pathologie Et de Génétique
Classification: Pathogenic for Alport syndrome 3b, autosomal recessive. Last evaluated: 2026-03-26. Review status: criteria provided, single submitter. Criteria: ACMG Guidelines, 2015. Collection method: clinical testing. Allele origin: germline. Inheritance: Autosomal recessive inheritance. Affected: yes. Observed: 2 variant alleles, 2 compound heterozygotes. Clinical features observed: Proteinuria (HP:0000093), Stage 4 chronic kidney disease (HP:0012626), Sensorineural hearing loss disorder (HP:0000407). Segregation with disease observed.
Comment: Intragenic deletion of coding region (2 exons) (2E: 0.9) in a patient with specific phenotype consistent with the gene, but the inheritance of the variant is unknown (5G:0.15)

NM_000091.5:c.(1504+1_1505-1)_(4928+1_4929-1)del

Gene: COL4A3 (collagen type IV alpha 3 chain; plus strand).
Variant type: Deletion.
Other names: c.(1504+1_1505-1)_(4928+1_4929-1)del (NM_000091.5).
Identifiers: ClinVar variation 4853847 (VCV004853847.1).